The following is an entry in ClinVar:

NM_058216.3(RAD51C):c.1129T>C (p.Ter377Gln)

Gene: RAD51C (RAD51 paralog C; plus strand). Cytogenetic location: 17q22.
Variant type: single nucleotide variant.
Coding change: c.1129T>C on transcript NM_058216.3 (MANE Select); coding-DNA position 1129, T replaced by C.
Protein change: p.Ter377Gln.
Molecular consequence: stop lost. On other transcripts: non-coding transcript variant (1).
Genome position (GRCh38, 1-based): chr17:58,734,220, T>C. VCF-style: chr17-58734220-T-C. GRCh37 (hg19) VCF-style: chr17-56811581-T-C.
Other names: c.*557T>C (NM_058217.1).
Identifiers: ClinVar variation 1801554 (VCV001801554.3), dbSNP rs377262060, ClinGen allele CA8677416.

ClinVar aggregate classification (germline): Uncertain significance. Review status: criteria provided, single submitter (1 of 4 stars). 2 submissions from 2 submitters: Uncertain significance (1). 1 of the submissions does not count toward it. Last evaluated 2025-05-07.

Conditions:
Gastric cancer. Also called: Malignant tumor of stomach; Stomach cancer. Identifiers: MedGen C0024623, MeSH D013274, MONDO:0001056, OMIM 613659, HP:0012126.
Hereditary cancer-predisposing syndrome. Also called: Neoplastic Syndromes, Hereditary; Hereditary neoplastic syndrome; Hereditary Cancer Syndrome; Tumor predisposition. Identifiers: Orphanet 140162, MedGen C0027672, MeSH D009386, MONDO:0015356.

Allele frequency attached by ClinVar (database versions not stated): gnomAD exomes below 0.00001; TOPMed below 0.00001; ExAC 0.00001; gnomAD 0.00001; ESP Exome Variant Server 0.00008.
gnomAD v4.1: 2 of 1,610,458 alleles (0.00012%); highest among the groups gnomAD compares: South Asian, 0.0011%; no homozygotes.

Submissions (2):

Ambry Genetics
Classification: Uncertain significance for Hereditary cancer-predisposing syndrome. Last evaluated: 2025-05-07. Review status: criteria provided, single submitter. Criteria: Ambry Variant Classification Scheme 2023. Collection method: clinical testing. Allele origin: germline.
Comment: The c.1129T>C variant (also known as p.*377Qext*12), located in coding exon 9 of the RAD51C gene, results from a T to C substitution at nucleotide position 1129. This alteration disrupts the stop codon of the RAD51C gene and is predicted to preserve the native sequence while resulting in the elongation of the protein by 12 amino acids. The exact functional effect of the additional amino acids is unknown. Since supporting evidence is limited at this time, the clinical significance of this alteration remains unclear.

Laboratory for Genotyping Development, RIKEN
Classification: Pathogenic for Gastric cancer. Last evaluated: 2021-07-01. Review status: no assertion criteria provided. Collection method: research. Allele origin: germline. Not counted in ClinVar's aggregate classification.

Literature cited by the submitters: PubMed 36988593 (cited by Laboratory for Genotyping Development, RIKEN).